The following is an entry in ClinVar:

ClinVar aggregate classification (germline): Uncertain significance (1 of 4 stars; one submission).

Conditions:
Cardiomyopathy (CMYO). Also called: Cardiomyopathies. Identifiers: Orphanet 167848, MedGen C0878544, MONDO:0004994, HP:0001638. Inheritance: Various modes of inheritance.

Submission:

All of Us Research Program, National Institutes of Health
Classification: Uncertain significance for Cardiomyopathy. Last evaluated: 2023-04-10. Review status: criteria provided, single submitter. Criteria: ACMG Guidelines, 2015. Collection method: clinical testing. Allele origin: germline. Inheritance: Autosomal dominant inheritance. Observed: 1 variant allele, 1 heterozygote.
Comment: This variant deletes 1 nucleotide in exon 14 of the MYH7 gene, creating a frameshift and premature translation stop signal. This variant is expected to result in an absent or non-functional protein product. To our knowledge, this variant has not been reported in individuals affected with cardiovascular disorders in the literature. This variant has not been identified in the general population by the Genome Aggregation Database (gnomAD). Clinical relevance of loss-of-function MYH7 truncation variants in autosomal dominant cardiovascular disorders is not clearly established. The available evidence is insufficient to determine the role of this variant in disease conclusively. Therefore, this variant is classified as a Variant of Uncertain Significance.

This study involves interpretation of variants in research participants for the purpose of population health screening. Participant phenotype was not available at the time of variant classification. Additional details can be found in publication PMID: 35346344, PMCID: PMC8962531

NM_000257.4(MYH7):c.1365del (p.Phe456fs)

Gene: MYH7 (myosin heavy chain 7; minus strand). Cytogenetic location: 14q11.2.
Variant type: Deletion.
Coding change: c.1365del on transcript NM_000257.4 (MANE Select); coding-DNA position 1365, one base deleted (C; older notation c.1365delC).
Protein change: p.Phe456fs; shifts the reading frame from phenylalanine 456.
Molecular consequence: frameshift variant.
Genome position (GRCh38, 1-based): chr14:23,428,997, G deleted on the plus strand (C on the coding strand, the reverse complement: MYH7 is on the minus strand). VCF-style (leftmost placement, unchanged base first): chr14-23428996-AG-A. GRCh37 (hg19) VCF-style: chr14-23898205-AG-A.
Other names: c.1365del, p.Phe456fs (NM_001407004.1); short protein forms F456fs.
Identifiers: ClinVar variation 3070362 (VCV003070362.1), dbSNP rs2502301985, ClinGen allele CA2825002221.